The following is an entry in ClinVar:

NM_015650.4(TRAF3IP1):c.769A>C (p.Lys257Gln)

Gene: TRAF3IP1 (TRAF3 interacting protein 1; plus strand). Cytogenetic location: 2q37.3.
Variant type: single nucleotide variant.
Coding change: c.769A>C on transcript NM_015650.4 (MANE Select); coding-DNA position 769, A replaced by C.
Protein change: p.Lys257Gln; replaces lysine 257 with glutamine.
Molecular consequence: missense variant.
Genome position (GRCh38, 1-based): chr2:238,329,196, A>C. VCF-style: chr2-238329196-A-C. GRCh37 (hg19) VCF-style: chr2-239237837-A-C.
Other names: c.769A>C, p.Lys257Gln (NM_001139490.1); short protein forms K257Q.
Identifiers: ClinVar variation 1901524 (VCV001901524.4), dbSNP rs755084625, ClinGen allele CA351245659.

ClinVar aggregate classification (germline): Uncertain significance (1 of 4 stars; one submission).

gnomAD v4.1: 11 of 1,570,194 alleles (0.0007%); highest among the groups gnomAD compares: Middle Eastern, 0.017%; no homozygotes.

Submission:

Labcorp Genetics (formerly Invitae), Labcorp
Classification: Uncertain significance. Last evaluated: 2025-09-08. Review status: criteria provided, single submitter. Criteria: Invitae Variant Classification Sherloc (09022015). Collection method: clinical testing. Allele origin: germline.
Comment: This sequence change replaces lysine, which is basic and polar, with glutamine, which is neutral and polar, at codon 257 of the TRAF3IP1 protein (p.Lys257Gln). This variant is not present in population databases (gnomAD no frequency). This variant has not been reported in the literature in individuals affected with TRAF3IP1-related conditions. ClinVar contains an entry for this variant (Variation ID: 1901524). Invitae Evidence Modeling of protein sequence and biophysical properties (such as structural, functional, and spatial information, amino acid conservation, physicochemical variation, residue mobility, and thermodynamic stability) indicates that this missense variant is not expected to disrupt TRAF3IP1 protein function with a negative predictive value of 80%. In summary, the available evidence is currently insufficient to determine the role of this variant in disease. Therefore, it has been classified as a Variant of Uncertain Significance.